The following is an entry in ClinVar:

ClinVar aggregate classification (germline): Uncertain significance (1 of 4 stars; one submission).

Conditions:
Neurofibromatosis, type 2 (SWNV). Also called: NF2-Related Schwannomatosis; BILATERAL ACOUSTIC NEUROFIBROMATOSIS; SCHWANNOMATOSIS, VESTIBULAR. Identifiers: Orphanet 637, MedGen C0027832, MONDO:0007039, OMIM 101000. Disease mechanism: loss of function.

Submission:

Labcorp Genetics (formerly Invitae), Labcorp
Classification: Uncertain significance for Neurofibromatosis, type 2. Last evaluated: 2022-07-04. Review status: criteria provided, single submitter. Criteria: Invitae Variant Classification Sherloc (09022015). Collection method: clinical testing. Allele origin: germline.
Comment: In summary, the available evidence is currently insufficient to determine the role of this variant in disease. Therefore, it has been classified as a Variant of Uncertain Significance. Algorithms developed to predict the effect of missense changes on protein structure and function are either unavailable or do not agree on the potential impact of this missense change (SIFT: "Deleterious"; PolyPhen-2: "Probably Damaging"; Align-GVGD: "Class C15"). This variant has not been reported in the literature in individuals affected with NF2-related conditions. This variant is not present in population databases (gnomAD no frequency). This sequence change replaces leucine, which is neutral and non-polar, with phenylalanine, which is neutral and non-polar, at codon 169 of the NF2 protein (p.Leu169Phe).

NM_000268.4(NF2):c.505C>T (p.Leu169Phe)

Gene: NF2 (NF2, moesin-ezrin-radixin like (MERLIN) tumor suppressor; plus strand). Cytogenetic location: 22q12.2.
Variant type: single nucleotide variant.
Coding change: c.505C>T on transcript NM_000268.4 (MANE Select); coding-DNA position 505, C replaced by T.
Protein change: p.Leu169Phe; replaces leucine 169 with phenylalanine.
Molecular consequence: missense variant. On other transcripts: non-coding transcript variant (1), intron variant (1).
Genome position (GRCh38, 1-based): chr22:29,654,714, C>T. VCF-style: chr22-29654714-C-T. GRCh37 (hg19) VCF-style: chr22-30050703-C-T.
Other names: c.391C>T, p.Leu131Phe (NM_001407053.1, NM_001407056.1); c.382C>T, p.Leu128Phe (NM_001407054.1, NM_001407058.1, NM_001407062.1 and 1 more transcripts); c.379C>T, p.Leu127Phe (NM_001407055.1, NM_181828.3); c.505C>T, p.Leu169Phe (NM_001407057.1, NM_001407059.1, NM_001407060.1 and 4 more transcripts); c.256C>T, p.Leu86Phe (NM_001407063.1, NM_001407064.1, NM_181830.3 and 1 more transcripts); c.-136C>T (NM_001407065.1); c.274C>T, p.Leu92Phe (NM_001407067.1); c.447+12429C>T (NM_181833.3); short protein forms L128F, L86F, L127F, L131F, L169F, L92F.
Identifiers: ClinVar variation 2014024 (VCV002014024.4), dbSNP rs2146967330, ClinGen allele CA411142238.
Genomic context (GRCh38, chr22:29,654,714, plus strand): 5'-CAGTATGGTGACTACGACCCCAGTGTTCACAAGCGGGGATTTTTGGCCCAAGAGGAATTG[C>T]TTCCAAAAAGGGTAAGAGATTAAATTCCCTTTTCAGGAAGACATAGCAGATATGTGGTCT-3'
Protein context (NP_000259.1, residues 159-179): KRGFLAQEEL[Leu169Phe]PKRVINLYQM